The following is an entry in ClinVar:

NM_007294.4(BRCA1):c.670+259T>G

Gene: BRCA1 (BRCA1 DNA repair associated; minus strand). Cytogenetic location: 17q21.31.
Variant type: single nucleotide variant.
Coding change: c.670+259T>G on transcript NM_007294.4 (MANE Select); 259 bases into the intron after coding-DNA position 670, T replaced by G.
Molecular consequence: intron variant.
Genome position (GRCh38, 1-based): chr17:43,095,587, A>C on the plus strand (T>G on the coding strand, the complement: BRCA1 is on the minus strand). VCF-style: chr17-43095587-A-C. GRCh37 (hg19) VCF-style: chr17-41247604-A-C.
Other names: IVS 10+259T>G; c.529+259T>G (NM_001408458.1, NM_001408469.1, NM_001408453.1 and 43 more transcripts); c.-218-727T>G (NM_001407967.1, NM_001407966.1); c.289+259T>G (NM_001407959.1, NM_001408510.1, NM_001407963.1 and 1 more transcripts); c.404-727T>G (NM_001407931.1, NM_001407932.1, NM_001408503.1 and 5 more transcripts); c.526+259T>G (NM_001407747.1, NM_001408470.1, NM_001407848.1 and 26 more transcripts); c.286+259T>G (NM_001407962.1); c.167-727T>G (NM_001408512.1, NM_001407965.1); and 18 more.
Identifiers: ClinVar variation 209447 (VCV000209447.5), dbSNP rs7503154, ClinGen allele CA276418.

ClinVar aggregate classification (germline): Benign. Review status: reviewed by expert panel (3 of 4 stars). 2 submissions from 2 submitters: Benign (1). 1 of the submissions does not count toward it. Last evaluated 2015-01-12.

Conditions:
Breast-ovarian cancer, familial, susceptibility to, 1 (BROVCA1). Also called: BRCA1 Hereditary Breast and Ovarian Cancer; OVARIAN CANCER, SUSCEPTIBILITY TO. Identifiers: Orphanet 145, MedGen C2676676, MONDO:0011450, OMIM 604370. Disease mechanism: loss of function.

Allele frequency attached by ClinVar (database versions not stated): TOPMed 0.30098; gnomAD 0.30677 and 0.31444.
gnomAD v4.1: 47,632 of 151,446 alleles (31%); highest among the groups gnomAD compares: South Asian, 49%; 7,801 homozygotes.

Submissions (2):

Evidence-based Network for the Interpretation of Germline Mutant Alleles (ENIGMA)
Classification: Benign for Breast-ovarian cancer, familial 1. Last evaluated: 2015-01-12. Review status: reviewed by expert panel. Criteria: ENIGMA BRCA1/2 Classification Criteria (2015). Collection method: curation. Allele origin: germline.
Comment: Class 1 not pathogenic based on frequency >1% in an outbred sampleset. Frequency 0.3287 (Asian), 0.2073 (African), 0.3443 (European), derived from 1000 genomes (2012-04-30).

GeneDx
Classification: Benign. Last evaluated: 2019-08-19. Review status: criteria provided, single submitter. Criteria: GeneDx Variant Classification Process June 2021. Collection method: clinical testing. Allele origin: germline. Affected: yes. Not counted in ClinVar's aggregate classification.